The following is an entry in ClinVar:

ClinVar aggregate classification (germline): Uncertain significance (1 of 4 stars; one submission).

Conditions:
Hereditary cancer-predisposing syndrome. Also called: Neoplastic Syndromes, Hereditary; Tumor predisposition; Hereditary Cancer Syndrome; Hereditary neoplastic syndrome. Identifiers: Orphanet 140162, MedGen C0027672, MeSH D009386, MONDO:0015356.

Submission:

Ambry Genetics
Classification: Uncertain significance for Hereditary cancer-predisposing syndrome. Last evaluated: 2021-12-09. Review status: criteria provided, single submitter. Criteria: Ambry Variant Classification Scheme 2023. Collection method: clinical testing. Allele origin: germline.
Comment: The p.E650D variant (also known as c.1950G>C), located in coding exon 5 of the PALB2 gene, results from a G to C substitution at nucleotide position 1950. The glutamic acid at codon 650 is replaced by aspartic acid, an amino acid with highly similar properties. This amino acid position is conserved. In addition, this alteration is predicted to be tolerated by in silico analysis. Since supporting evidence is limited at this time, the clinical significance of this alteration remains unclear.

NM_024675.4(PALB2):c.1950G>C (p.Glu650Asp)

Gene: PALB2 (partner and localizer of BRCA2; minus strand). Cytogenetic location: 16p12.2.
Variant type: single nucleotide variant.
Coding change: c.1950G>C on transcript NM_024675.4 (MANE Select); coding-DNA position 1950, G replaced by C.
Protein change: p.Glu650Asp; replaces glutamic acid 650 with aspartic acid.
Molecular consequence: missense variant.
Genome position (GRCh38, 1-based): chr16:23,630,204, C>G on the plus strand (G>C on the coding strand, the complement: PALB2 is on the minus strand). VCF-style: chr16-23630204-C-G. GRCh37 (hg19) VCF-style: chr16-23641525-C-G.
Other names: c.1890G>C, p.Glu630Asp (NM_001407296.1); c.1950G>C, p.Glu650Asp (NM_001407297.1, NM_001407298.1, NM_001407299.1 and 3 more transcripts); c.1065G>C, p.Glu355Asp (NM_001407304.1, NM_001407305.1, NM_001407306.1 and 5 more transcripts); c.162G>C, p.Glu54Asp (NM_001407312.1, NM_001407313.1); short protein forms E54D, E630D, E355D, E650D.
Identifiers: ClinVar variation 1783230 (VCV001783230.2), dbSNP rs1966862866, ClinGen allele CA395127396.